The following is an entry in ClinVar:

ClinVar aggregate classification (germline): Uncertain significance (1 of 4 stars; one submission).

Conditions:
Hereditary cancer-predisposing syndrome. Also called: Neoplastic Syndromes, Hereditary; Tumor predisposition; Hereditary neoplastic syndrome; Hereditary Cancer Syndrome. Identifiers: Orphanet 140162, MedGen C0027672, MeSH D009386, MONDO:0015356.

Submission:

Ambry Genetics
Classification: Uncertain significance for Hereditary cancer-predisposing syndrome. Last evaluated: 2025-05-15. Review status: criteria provided, single submitter. Criteria: Ambry Variant Classification Scheme 2023. Collection method: clinical testing. Allele origin: germline.
Comment: The p.S617R variant (also known as c.1851C>G), located in coding exon 5 of the MET gene, results from a C to G substitution at nucleotide position 1851. The serine at codon 617 is replaced by arginine, an amino acid with dissimilar properties. This amino acid position is conserved. In addition, this alteration is predicted to be deleterious by in silico analysis. Based on the available evidence, the clinical significance of this variant remains unclear.

NM_000245.4(MET):c.1851C>G (p.Ser617Arg)

Gene: MET (MET proto-oncogene, receptor tyrosine kinase; plus strand). Cytogenetic location: 7q31.2.
Variant type: single nucleotide variant.
Coding change: c.1851C>G on transcript NM_000245.4 (MANE Select); coding-DNA position 1851, C replaced by G.
Protein change: p.Ser617Arg; replaces serine 617 with arginine.
Molecular consequence: missense variant.
Genome position (GRCh38, 1-based): chr7:116,755,504, C>G. VCF-style: chr7-116755504-C-G. GRCh37 (hg19) VCF-style: chr7-116395558-C-G.
Other names: c.1851C>G, p.Ser617Arg (NM_001127500.3, NM_001324401.3); c.561C>G, p.Ser187Arg (NM_001324402.2); short protein forms S187R, S617R.
Identifiers: ClinVar variation 4053972 (VCV004053972.1).